The following is an entry in ClinVar:

ClinVar aggregate classification (germline): Uncertain significance (1 of 4 stars; one submission).

Submission:

Women's Health and Genetics/Laboratory Corporation of America, LabCorp
Classification: Uncertain significance. Last evaluated: 2025-11-12. Review status: criteria provided, single submitter. Criteria: LabCorp Variant Classification Summary - May 2015. Collection method: clinical testing. Allele origin: germline.
Comment: Variant summary: The variant involves the deletion of exons 1 in the MAB21L1 gene. A presumed nomenclature of c.(?_-552)_(*1270_?)del has been designated for the purposes of this classification. This deletion includes the entire coding sequence of the gene. As the exact proximal and distal breakpoints are unknown, it may extend beyond the annotated region of the gene to include other flanking genes. Current evidence is not sufficient to establish loss of function as a mechanism for disease. The variant was absent in 21694 control chromosomes. The available data on variant occurrences in the general population are insufficient to allow any conclusion about variant significance. To our knowledge, no occurrence of c.(?_-552)_(*1270_?)del in individuals affected with MAB21L1-related conditions and no experimental evidence demonstrating its impact on protein function have been reported. No submitters have cited clinical-significance assessments for this variant to ClinVar. Based on the evidence outlined above, the variant was classified as uncertain significance.

NC_000013.10:g.(?_36047926)_(36050827_?)del

Genes: MAB21L1 (mab-21 like 1; minus strand), NBEA (neurobeachin; plus strand). Cytogenetic location: 13q13.3.
Variant type: Deletion.
Identifiers: ClinVar variation 4688176 (VCV004688176.1).